The following is an entry in ClinVar:

NM_000135.4(FANCA):c.1181C>A (p.Ser394Tyr)

Gene: FANCA (FA complementation group A; minus strand). Cytogenetic location: 16q24.3.
Variant type: single nucleotide variant.
Coding change: c.1181C>A on transcript NM_000135.4 (MANE Select); coding-DNA position 1181, C replaced by A.
Protein change: p.Ser394Tyr; replaces serine 394 with tyrosine.
Molecular consequence: missense variant.
Genome position (GRCh38, 1-based): chr16:89,791,971, G>T on the plus strand (C>A on the coding strand, the complement: FANCA is on the minus strand). VCF-style: chr16-89791971-G-T. GRCh37 (hg19) VCF-style: chr16-89858379-G-T.
Other names: c.1181C>A, p.Ser394Tyr (NM_001286167.3); short protein forms S394Y.
Identifiers: ClinVar variation 5036355 (VCV005036355.1).
Genomic context (GRCh38, chr16:89,791,971, plus strand): 5'-TCGCGTAAAAGCTCACCTTCAAGCAGCTGCTGCGCTTCTGGAAAGCAGACAACCAGGGCA[G>T]ACACAAAGGAGAGCACTCTCTGCCAGTGAACCTCCTGCGTTTCCAGAACTTCTTGCAAAT-3'
Protein context (NP_000126.2, residues 384-404): VHWQRVLSFV[Ser394Tyr]ALVVCFPEAQ

ClinVar aggregate classification (germline): Uncertain significance (1 of 4 stars; one submission).

Conditions:
Inborn genetic diseases. Identifiers: MedGen C0950123, MeSH D030342.

Submission:

Ambry Genetics
Classification: Uncertain significance for Inborn genetic diseases. Last evaluated: 2026-07-13. Review status: criteria provided, single submitter. Criteria: Ambry Variant Classification Scheme 2023. Collection method: clinical testing. Allele origin: germline.
Comment: The p.S394Y variant (also known as c.1181C>A), located in coding exon 13 of the FANCA gene, results from a C to A substitution at nucleotide position 1181. The serine at codon 394 is replaced by tyrosine, an amino acid with dissimilar properties. This amino acid position is conserved. In addition, this alteration is predicted to be deleterious by in silico analysis. Based on the available evidence, the clinical significance of this variant remains unclear.